The following is an entry in ClinVar:

ClinVar aggregate classification (germline): Uncertain significance (1 of 4 stars; one submission).

Conditions:
Dilated cardiomyopathy 1O (CMD1O). Also called: CARDIOMYOPATHY, DILATED, WITH VENTRICULAR TACHYCARDIA. Identifiers: Orphanet 154, MedGen C1837839, MONDO:0012062, OMIM 608569.

gnomAD v4.1: 1 of 1,614,102 alleles (0.000062%); no homozygotes.

Submission:

Labcorp Genetics (formerly Invitae), Labcorp
Classification: Uncertain significance for Dilated cardiomyopathy 1O. Last evaluated: 2022-11-10. Review status: criteria provided, single submitter. Criteria: Invitae Variant Classification Sherloc (09022015). Collection method: clinical testing. Allele origin: germline.
Comment: This variant has not been reported in the literature in individuals affected with ABCC9-related conditions. Algorithms developed to predict the effect of missense changes on protein structure and function (SIFT, PolyPhen-2, Align-GVGD) all suggest that this variant is likely to be tolerated. In summary, the available evidence is currently insufficient to determine the role of this variant in disease. Therefore, it has been classified as a Variant of Uncertain Significance. This variant is not present in population databases (gnomAD no frequency). This sequence change replaces leucine, which is neutral and non-polar, with proline, which is neutral and non-polar, at codon 1515 of the ABCC9 protein (p.Leu1515Pro).

NM_020297.4(ABCC9):c.4512+718T>C

Genes: ABCC9 (ATP binding cassette subfamily C member 9; minus strand), KCNJ8-AS1 (KCNJ8 antisense RNA 1; plus strand). Cytogenetic location: 12p12.1.
Variant type: single nucleotide variant.
Coding change: c.4512+718T>C on transcript NM_020297.4 (MANE Select); 718 bases into the intron after coding-DNA position 4512, T replaced by C.
Molecular consequence: intron variant. On other transcripts: missense variant (1).
Genome position (GRCh38, 1-based): chr12:21,805,280, A>G on the plus strand (T>C on the coding strand, the complement: ABCC9 is on the minus strand). VCF-style: chr12-21805280-A-G. GRCh37 (hg19) VCF-style: chr12-21958214-A-G.
Other names: c.4544T>C, p.Leu1515Pro (NM_005691.4); c.3645+718T>C (NM_001377274.1); c.4512+718T>C (NM_001377273.1); short protein forms L1515P.
Identifiers: ClinVar variation 2992819 (VCV002992819.3), dbSNP rs754492531, ClinGen allele CA384129403.